The following is an entry in ClinVar:

NM_000256.3(MYBPC3):c.2310del (p.Asp770fs)

Gene: MYBPC3 (myosin binding protein C3; minus strand). Cytogenetic location: 11p11.2.
Variant type: Deletion.
Coding change: c.2310del on transcript NM_000256.3 (MANE Select); coding-DNA position 2310, one base deleted (C; older notation c.2310delC).
Protein change: p.Asp770fs; shifts the reading frame from aspartic acid 770.
Molecular consequence: frameshift variant.
Genome position (GRCh38, 1-based): chr11:47,337,793, G deleted on the plus strand (C on the coding strand, the reverse complement: MYBPC3 is on the minus strand). VCF-style (leftmost placement, unchanged base first): chr11-47337792-CG-C. GRCh37 (hg19) VCF-style: chr11-47359343-CG-C.
Other names: c.2310del, p.Asp770fs (LRG_386t1); c.2310delC (NM_000256.3); short protein forms D770fs.
Identifiers: ClinVar variation 520330 (VCV000520330.6), dbSNP rs1555121331, ClinGen allele CA658797627.

ClinVar aggregate classification (germline): Pathogenic. Review status: criteria provided, multiple submitters, no conflicts (2 of 4 stars). 2 submissions from 2 submitters: Pathogenic (2). Last evaluated 2025-04-09.

Conditions:
Cardiovascular phenotype. Identifiers: MedGen CN230736.
Hypertrophic cardiomyopathy. Also called: HYPERTROPHIC MYOCARDIOPATHY. Identifiers: Orphanet 217569, MedGen C0007194, MeSH D002312, MONDO:0005045, HP:0001639.

Submissions (2):

Labcorp Genetics (formerly Invitae), Labcorp
Classification: Pathogenic for Hypertrophic cardiomyopathy. Last evaluated: 2025-04-09. Review status: criteria provided, single submitter. Criteria: Invitae Variant Classification Sherloc (09022015). Collection method: clinical testing. Allele origin: germline.
Comment: This sequence change creates a premature translational stop signal (p.Asp770Glufs*52) in the MYBPC3 gene. It is expected to result in an absent or disrupted protein product. Loss-of-function variants in MYBPC3 are known to be pathogenic (PMID: 19574547). This variant is not present in population databases (gnomAD no frequency). This variant has not been reported in the literature in individuals affected with MYBPC3-related conditions. ClinVar contains an entry for this variant (Variation ID: 520330). For these reasons, this variant has been classified as Pathogenic.

Ambry Genetics
Classification: Pathogenic for Cardiovascular phenotype. Last evaluated: 2023-12-04. Review status: criteria provided, single submitter. Criteria: Ambry Variant Classification Scheme 2023. Collection method: clinical testing. Allele origin: germline.
Comment: The c.2310delC pathogenic mutation, located in coding exon 24 of the MYBPC3 gene, results from a deletion of one nucleotide at position 2310, causing a translational frameshift with a predicted alternate stop codon (p.D770Efs*52). This variant is considered to be rare based on population cohorts in the Genome Aggregation Database (gnomAD). This alteration is expected to result in loss of function by premature protein truncation or nonsense-mediated mRNA decay. As such, this alteration is interpreted as a disease-causing mutation.

Literature cited by the submitters: PubMed 19574547 (cited by Labcorp Genetics (formerly Invitae), Labcorp).